The following is an entry in ClinVar:

ClinVar aggregate classification (germline): Pathogenic (1 of 4 stars; one submission).

Allele frequency attached by ClinVar (database versions not stated): gnomAD exomes below 0.00001.
gnomAD v4.1: 2 of 1,614,164 alleles (0.00012%); highest among the groups gnomAD compares: East Asian, 0.0022%; no homozygotes.

Submission:

Labcorp Genetics (formerly Invitae), Labcorp
Classification: Pathogenic. Last evaluated: 2023-11-24. Review status: criteria provided, single submitter. Criteria: Invitae Variant Classification Sherloc (09022015). Collection method: clinical testing. Allele origin: germline.
Comment: This sequence change creates a premature translational stop signal (p.Gln312*) in the HJV gene. While this is not anticipated to result in nonsense mediated decay, it is expected to disrupt the last 115 amino acid(s) of the HJV protein. This variant is not present in population databases (gnomAD no frequency). This premature translational stop signal has been observed in individual(s) with hemochromatosis (PMID: 16099526). This variant disrupts a region of the HJV protein in which other variant(s) (p.Arg385*) have been determined to be pathogenic (PMID: 14982873, 30389309). This suggests that this is a clinically significant region of the protein, and that variants that disrupt it are likely to be disease-causing. For these reasons, this variant has been classified as Pathogenic.

Literature cited by the submitters: PubMed 16099526; PubMed 14982873; PubMed 30389309.

NM_213653.4(HJV):c.934C>T (p.Gln312Ter)

Gene: HJV (hemojuvelin BMP co-receptor; minus strand). Cytogenetic location: 1q21.1.
Variant type: single nucleotide variant.
Coding change: c.934C>T on transcript NM_213653.4 (MANE Select); coding-DNA position 934, C replaced by T.
Protein change: p.Gln312Ter; replaces glutamine 312 with a stop codon.
Molecular consequence: nonsense.
Genome position (GRCh38, 1-based): chr1:146,018,424, G>A on the plus strand (C>T on the coding strand, the complement: HJV is on the minus strand). VCF-style: chr1-146018424-G-A. GRCh37 (hg19) VCF-style: chr1-145416589-C-T.
Other names: c.256C>T, p.Gln86Ter (NM_001316767.2, NM_202004.4, NM_213652.4); c.934C>T, p.Gln312Ter (NM_001379352.1); c.595C>T, p.Gln199Ter (NM_145277.5); short protein forms Q199*, Q312*, Q86*.
Identifiers: ClinVar variation 3011379 (VCV003011379.3), dbSNP rs1553769459, ClinGen allele CA342135407.